The following is an entry in ClinVar:

ClinVar aggregate classification (germline): Uncertain significance (1 of 4 stars; one submission).

Conditions:
3-Methylglutaconic aciduria type 2 (BTHS). Also called: CARDIOSKELETAL MYOPATHY WITH NEUTROPENIA AND ABNORMAL MITOCHONDRIA; Barth syndrome. Identifiers: Orphanet 111, MedGen C0574083, MONDO:0010543, OMIM 302060.

Submission:

Labcorp Genetics (formerly Invitae), Labcorp
Classification: Uncertain significance for 3-Methylglutaconic aciduria type 2. Last evaluated: 2020-01-15. Review status: criteria provided, single submitter. Criteria: Invitae Variant Classification Sherloc (09022015). Collection method: clinical testing. Allele origin: germline.
Comment: This sequence change deletes 10 nucleotides from exon 10 of the TAZ mRNA (c.754_763delCTCCGGGCGG), causing a frameshift at codon 252. This creates a premature translational stop signal in the last exon of the TAZ mRNA (p.Leu252Argfs*12). While this is not anticipated to result in nonsense mediated decay, it is expected to disrupt the last 41 amino acids of the TAZ protein. This variant is not present in population databases (ExAC no frequency) and has not been reported in the literature in individuals with a TAZ-related disease. Experimental studies have not been reported for this truncating variant and it is currently unknown if the last 41 amino acids of the TAZ protein are critical for its function. In summary, this is a novel truncation with uncertain impact on protein function. It has been classified as a Variant of Uncertain Significance.

NM_000116.5(TAFAZZIN):c.754_763del (p.Leu252fs)

Gene: TAFAZZIN (tafazzin, phospholipid-lysophospholipid transacylase; plus strand). Cytogenetic location: Xq28.
Variant type: Deletion.
Coding change: c.754_763del on transcript NM_000116.5 (MANE Select); coding-DNA positions 754 to 763, 10 bases deleted (CTCCGGGCGG; older notation c.754_763delCTCCGGGCGG).
Protein change: p.Leu252fs; shifts the reading frame from leucine 252.
Molecular consequence: frameshift variant. On other transcripts: non-coding transcript variant (1).
Genome position (GRCh38, 1-based): chrX:154,420,712-154,420,721, CTCCGGGCGG deleted; deleting any 10 consecutive bases within chrX:154,420,708-154,420,721 gives the same sequence; the c. name uses the placement nearest the transcript's 3' end. VCF-style (leftmost placement, unchanged base first): chrX-154420707-AGCGGCTCCGG-A. GRCh37 (hg19) VCF-style: chrX-153649046-AGCGGCTCCGG-A.
Other names: c.766_775del, p.Leu256fs (NM_001303465.2); c.664_673del, p.Leu222fs (NM_181311.4); c.712_721del, p.Leu238fs (NM_181312.4); c.622_631del, p.Leu208fs (NM_181313.4); short protein forms L252fs, L208fs, L222fs, L238fs, L256fs.
Identifiers: ClinVar variation 462145 (VCV000462145.5), dbSNP rs1557194381, ClinGen allele CA658659063.